The following is an entry in ClinVar:

NM_001079866.2(BCS1L):c.149_150insGA (p.Leu51fs)

Gene: BCS1L (BCS1 ubiquinol-cytochrome c reductase complex chaperone; plus strand). Cytogenetic location: 2q35.
Variant type: Insertion.
Coding change: c.149_150insGA on transcript NM_001079866.2 (MANE Select); coding-DNA positions 149 to 150, GA inserted.
Protein change: p.Leu51fs; shifts the reading frame from leucine 51.
Molecular consequence: frameshift variant. On other transcripts: 5 prime UTR variant (5), non-coding transcript variant (1), intron variant (3).
Genome position: GRCh38 VCF-style: chr2-218661136-C-CGA. GRCh37 (hg19) VCF-style: chr2-219525859-C-CGA.
Other names: c.149_150insGA, p.Leu51fs (NM_001257342.2, NM_001257343.2, NM_001257344.2 and 10 more transcripts); c.-328_-327insGA (NM_001371453.1, NM_001371454.1, NM_001371455.1 and 2 more transcripts); c.-40-270_-40-269insGA (NM_001371451.1, NM_001318836.2); c.-41-623_-41-622insGA (NM_001371452.1); short protein forms L51fs.
Identifiers: ClinVar variation 5013594 (VCV005013594.1).

ClinVar aggregate classification (germline): Pathogenic (1 of 4 stars; one submission).

Conditions:
BCS1L-related disorder. Also called: BCS1L-related condition; BCS1L-related disorders. Identifiers: MedGen CN239240.

Submission:

Myriad Genetics, Inc.
Classification: Pathogenic for BCS1L-related disorder. Last evaluated: 2024-09-29. Review status: criteria provided, single submitter. Criteria: Myriad Autosomal Dominant, Autosomal Recessive and X-Linked Classification Criteria (2023). Collection method: clinical testing. Allele origin: unknown.
Comment: NM_004328.4(BCS1L):c.149_150insGA(L51Nfs*66) is expected to be pathogenic in the context of BCS1L-related disorders. This variant is predicted to lead to an abnormal or absent protein product due to the creation of a premature termination codon in BCS1L, a gene where loss-of-function variants are known to be pathogenic. Please note: this variant was assessed in the context of healthy population screening.